The following is an entry in ClinVar:

NM_007294.4(BRCA1):c.4080C>G (p.Ser1360Arg)

Genes: BRCA1 (BRCA1 DNA repair associated; minus strand), LOC126862571 (BRD4-independent group 4 enhancer GRCh37_chr17:41243136-41244335; plus strand). Cytogenetic location: 17q21.31.
Variant type: single nucleotide variant.
Coding change: c.4080C>G on transcript NM_007294.4 (MANE Select); coding-DNA position 4080, C replaced by G.
Protein change: p.Ser1360Arg; replaces serine 1360 with arginine.
Molecular consequence: missense variant. On other transcripts: intron variant (135).
Genome position (GRCh38, 1-based): chr17:43,091,451, G>C on the plus strand (C>G on the coding strand, the complement: BRCA1 is on the minus strand). VCF-style: chr17-43091451-G-C. GRCh37 (hg19) VCF-style: chr17-41243468-G-C.
Other names: c.3867C>G, p.Ser1289Arg (NM_001407894.1, NM_001407898.1, NM_001407896.1 and 9 more transcripts); c.4080C>G, p.Ser1360Arg (NM_001407618.1, NM_001407619.1, NM_001407620.1 and 30 more transcripts); c.4077C>G, p.Ser1359Arg (NM_001407615.1, NM_001407587.1, NM_001407590.1 and 22 more transcripts); c.3870C>G, p.Ser1290Arg (NM_001407900.1, NM_001407885.1, NM_001407886.1 and 13 more transcripts); c.3957C>G, p.Ser1319Arg (NM_001407919.1, NM_001407937.1, NM_001407938.1 and 19 more transcripts); c.3816C>G, p.Ser1272Arg (NM_001407920.1, NM_001407921.1, NM_001407922.1 and 9 more transcripts); c.3813C>G, p.Ser1271Arg (NM_001407930.1, NM_001407931.1, NM_001407932.1 and 2 more transcripts); c.3954C>G, p.Ser1318Arg (NM_001407940.1, NM_001407941.1, NM_001407649.1 and 11 more transcripts); and 41 more; short protein forms S1313R, S1360R, S1064R, S1232R, S1248R, S1271R, S1272R, S1333R.
Identifiers: ClinVar variation 928523 (VCV000928523.6), dbSNP rs2053471401, ClinGen allele CA10593797.

ClinVar aggregate classification (germline): Conflicting classifications of pathogenicity. Review status: criteria provided, conflicting classifications (1 of 4 stars). 3 submissions from 3 submitters: Uncertain significance (2); Likely benign (1). Last evaluated 2024-12-18.

Conditions:
Hereditary cancer-predisposing syndrome. Also called: Neoplastic Syndromes, Hereditary; Hereditary Cancer Syndrome; Tumor predisposition; Hereditary neoplastic syndrome. Identifiers: Orphanet 140162, MedGen C0027672, MeSH D009386, MONDO:0015356.
Hereditary breast ovarian cancer syndrome. Also called: Hereditary breast and ovarian cancer syndrome; Hereditary breast and ovarian cancer syndrome (HBOC); Hereditary breast and/or ovarian cancer syndrome; Hereditary breast and ovarian cancer; Breast and ovarian cancer; BRCA1- and BRCA2-Associated Hereditary Breast and Ovarian Cancer. Identifiers: Orphanet 145, MedGen C0677776, MeSH D061325, MONDO:0003582. Disease mechanism: loss of function.

Submissions (3):

Labcorp Genetics (formerly Invitae), Labcorp
Classification: Uncertain significance for Hereditary breast ovarian cancer syndrome. Last evaluated: 2024-12-18. Review status: criteria provided, single submitter. Criteria: Invitae Variant Classification Sherloc (09022015). Collection method: clinical testing. Allele origin: germline.
Comment: This sequence change replaces serine, which is neutral and polar, with arginine, which is basic and polar, at codon 1360 of the BRCA1 protein (p.Ser1360Arg). This variant is not present in population databases (gnomAD no frequency). This variant has not been reported in the literature in individuals affected with BRCA1-related conditions. ClinVar contains an entry for this variant (Variation ID: 928523). Invitae Evidence Modeling of protein sequence and biophysical properties (such as structural, functional, and spatial information, amino acid conservation, physicochemical variation, residue mobility, and thermodynamic stability) indicates that this missense variant is not expected to disrupt BRCA1 protein function with a negative predictive value of 80%. In summary, the available evidence is currently insufficient to determine the role of this variant in disease. Therefore, it has been classified as a Variant of Uncertain Significance.

University of Washington Department of Laboratory Medicine, University of Washington
Classification: Likely benign for Hereditary cancer-predisposing syndrome. Last evaluated: 2023-03-23. Review status: criteria provided, single submitter. Criteria: Dines et al. (Genet Med. 2020). Collection method: curation. Allele origin: germline.
Comment: Missense variant in a coldspot region where missense variants are very unlikely to be pathogenic (PMID:31911673).

BRCA1 coldspot (exon 11 using historical exon numbering). Reclassification based on statistical prior probability

Women's Health and Genetics/Laboratory Corporation of America, LabCorp
Classification: Uncertain significance. Last evaluated: 2019-09-26. Review status: criteria provided, single submitter. Criteria: LabCorp Variant Classification Summary - May 2015. Collection method: clinical testing. Allele origin: germline.
Comment: Variant summary: BRCA1 c.4080C>G (p.Ser1360Arg) results in a non-conservative amino acid change in the encoded protein sequence. Four of five in-silico tools predict a benign effect of the variant on protein function. The variant was absent in 250858 control chromosomes (gnomAD). The available data on variant occurrences in the general population are insufficient to allow any conclusion about variant significance. To our knowledge, no occurrence of c.4080C>G in individuals affected with Hereditary Breast and Ovarian Cancer and no experimental evidence demonstrating its impact on protein function have been reported. No clinical diagnostic laboratories have submitted clinical-significance assessments for this variant to ClinVar after 2014. Based on the evidence outlined above, the variant was classified as uncertain significance.